The following is an entry in ClinVar:

NM_001372106.1(DNAH10):c.5439C>T (p.Asp1813=)

Gene: DNAH10 (dynein axonemal heavy chain 10; plus strand). Cytogenetic location: 12q24.31.
Variant type: single nucleotide variant.
Coding change: c.5439C>T on transcript NM_001372106.1 (MANE Select); coding-DNA position 5439, C replaced by T.
Protein change: p.Asp1813=; no amino-acid change (aspartic acid 1813 retained).
Molecular consequence: synonymous variant.
Genome position (GRCh38, 1-based): chr12:123,845,678, C>T. VCF-style: chr12-123845678-C-T. GRCh37 (hg19) VCF-style: chr12-124330225-C-T.
Other names: c.5085C>T, p.Asp1695= (NM_207437.3).
Identifiers: ClinVar variation 4534287 (VCV004534287.6).

ClinVar aggregate classification (germline): Likely benign (1 of 4 stars; one submission).

gnomAD v4.1: 14 of 1,613,650 alleles (0.00087%); highest among the groups gnomAD compares: Middle Eastern, 0.033%; no homozygotes.

Submission:

CeGaT Center for Human Genetics Tuebingen
Classification: Likely benign. Last evaluated: 2025-10-01. Review status: criteria provided, single submitter. Criteria: CeGaT Center For Human Genetics Tuebingen Variant Classification Criteria Version 2. Collection method: clinical testing. Allele origin: germline. Affected: yes. Observed: 1 variant allele.
Comment: DNAH10: BP4, BP7